The following is an entry in ClinVar:

ClinVar aggregate classification (germline): Uncertain significance (1 of 4 stars; one submission).

Submission:

CeGaT Center for Human Genetics Tuebingen
Classification: Uncertain significance. Last evaluated: 2025-04-01. Review status: criteria provided, single submitter. Criteria: CeGaT Center For Human Genetics Tuebingen Variant Classification Criteria Version 2. Collection method: clinical testing. Allele origin: germline. Affected: yes. Observed: 1 variant allele.
Comment: AFG3L2: PM2

NM_006796.3(AFG3L2):c.1831A>G (p.Lys611Glu)

Gene: AFG3L2 (AFG3 like matrix AAA peptidase subunit 2; minus strand). Cytogenetic location: 18p11.21.
Variant type: single nucleotide variant.
Coding change: c.1831A>G on transcript NM_006796.3 (MANE Select); coding-DNA position 1831, A replaced by G.
Protein change: p.Lys611Glu; replaces lysine 611 with glutamic acid.
Molecular consequence: missense variant.
Genome position (GRCh38, 1-based): chr18:12,340,350, T>C on the plus strand (A>G on the coding strand, the complement: AFG3L2 is on the minus strand). VCF-style: chr18-12340350-T-C. GRCh37 (hg19) VCF-style: chr18-12340349-T-C.
Other names: short protein forms K611E.
Identifiers: ClinVar variation 3898544 (VCV003898544.7).